The following is an entry in ClinVar:

ClinVar aggregate classification (germline): Uncertain significance (1 of 4 stars; one submission).

Conditions:
Glycogen storage disease, type II (IOPD). Also called: CARDIOMEGALIA GLYCOGENICA DIFFUSA; Glucosidase acid-1,4-alpha deficiency; Pompe Disease; POMPE DISEASE, INFANTILE-ONSET; GLYCOGEN STORAGE DISEASE II, INFANTILE-ONSET; ACID ALPHA-GLUCOSIDASE DEFICIENCY, INFANTILE-ONSET. Identifiers: Orphanet 365, MedGen C0017921, MONDO:0009290, OMIM 232300.

Allele frequency attached by ClinVar (database versions not stated): TOPMed 0.00001.

Submission:

Labcorp Genetics (formerly Invitae), Labcorp
Classification: Uncertain significance for Glycogen storage disease, type II. Last evaluated: 2022-07-20. Review status: criteria provided, single submitter. Criteria: Invitae Variant Classification Sherloc (09022015). Collection method: clinical testing. Allele origin: germline.
Comment: In summary, the available evidence is currently insufficient to determine the role of this variant in disease. Therefore, it has been classified as a Variant of Uncertain Significance. Advanced modeling of protein sequence and biophysical properties (such as structural, functional, and spatial information, amino acid conservation, physicochemical variation, residue mobility, and thermodynamic stability) performed at Invitae indicates that this missense variant is not expected to disrupt GAA protein function. This variant has not been reported in the literature in individuals affected with GAA-related conditions. This variant is not present in population databases (gnomAD no frequency). This sequence change replaces leucine, which is neutral and non-polar, with phenylalanine, which is neutral and non-polar, at codon 18 of the GAA protein (p.Leu18Phe).

NM_000152.5(GAA):c.52C>T (p.Leu18Phe)

Gene: GAA (alpha glucosidase; plus strand). Cytogenetic location: 17q25.3.
Variant type: single nucleotide variant.
Coding change: c.52C>T on transcript NM_000152.5 (MANE Select); coding-DNA position 52, C replaced by T.
Protein change: p.Leu18Phe; replaces leucine 18 with phenylalanine.
Molecular consequence: missense variant.
Genome position (GRCh38, 1-based): chr17:80,104,638, C>T. VCF-style: chr17-80104638-C-T. GRCh37 (hg19) VCF-style: chr17-78078437-C-T.
Other names: c.52C>T, p.Leu18Phe (NM_001079803.3, NM_001079804.3, NM_001406741.1 and 1 more transcripts); short protein forms L18F.
Identifiers: ClinVar variation 1720069 (VCV001720069.6), dbSNP rs1487798738, ClinGen allele CA401360057.